The following is an entry in ClinVar:

ClinVar aggregate classification (germline): Uncertain significance (1 of 4 stars; one submission).

Submission:

GeneDx
Classification: Uncertain significance. Last evaluated: 2026-06-10. Review status: criteria provided, single submitter. Criteria: GeneDx Variant Classification Process June 2021. Collection method: clinical testing. Allele origin: germline.
Comment: Not observed at significant frequency in large population cohorts (gnomAD); In silico analysis supports a deleterious effect on protein structure/function; Has not been previously published as pathogenic or benign to our knowledge

NM_002576.5(PAK1):c.1079_1080delinsCA (p.Cys360Ser)

Gene: PAK1 (p21 (RAC1) activated kinase 1; minus strand). Cytogenetic location: 11q13.5.
Variant type: Indel.
Coding change: c.1079_1080delinsCA on transcript NM_002576.5 (MANE Select); coding-DNA positions 1079 to 1080, GC replaced by CA.
Protein change: p.Cys360Ser; replaces cysteine 360 with serine.
Molecular consequence: missense variant. On other transcripts: non-coding transcript variant (2).
Genome position (GRCh38, 1-based): chr11:77,340,682-77,340,683, GC replaced by TG on the plus strand (GC replaced by CA on the coding strand, the reverse complement: PAK1 is on the minus strand). VCF-style: chr11-77340682-GC-TG. GRCh37 (hg19) VCF-style: chr11-77051727-GC-TG.
Other names: c.1079_1080delinsCA, p.Cys360Ser (NM_001128620.2, NM_001376268.1, NM_001376269.1 and 23 more transcripts); c.1100_1101delinsCA, p.Cys367Ser (NM_001376272.1); c.1070_1071delinsCA, p.Cys357Ser (NM_001376294.1); c.902_903delinsCA, p.Cys301Ser (NM_001376295.1); c.830_831delinsCA, p.Cys277Ser (NM_001376301.1); c.785_786delinsCA, p.Cys262Ser (NM_001376302.1, NM_001376304.1, NM_001376305.1); c.791_792delinsCA, p.Cys264Ser (NM_001376303.1); short protein forms C262S, C264S, C277S, C301S, C357S, C360S, C367S.
Identifiers: ClinVar variation 3390636 (VCV003390636.2).